The following is an entry in ClinVar:

ClinVar aggregate classification (germline): Uncertain significance. Review status: criteria provided, multiple submitters, no conflicts (2 of 4 stars). 2 submissions from 2 submitters: Uncertain significance (2). Last evaluated 2024-12-13.

Conditions:
Inborn genetic diseases. Identifiers: MedGen C0950123, MeSH D030342.

Allele frequency attached by ClinVar (database versions not stated): gnomAD 0.00001; gnomAD exomes 0.00001; TOPMed 0.00001.
gnomAD v4.1: 9 of 1,611,540 alleles (0.00056%); highest among the groups gnomAD compares: Non-Finnish European, 0.00076%; no homozygotes.

Submissions (2):

Labcorp Genetics (formerly Invitae), Labcorp
Classification: Uncertain significance. Last evaluated: 2024-12-13. Review status: criteria provided, single submitter. Criteria: Invitae Variant Classification Sherloc (09022015). Collection method: clinical testing. Allele origin: germline.
Comment: This sequence change replaces glycine, which is neutral and non-polar, with arginine, which is basic and polar, at codon 2203 of the DCHS1 protein (p.Gly2203Arg). This variant is present in population databases (no rsID available, gnomAD 0.002%). This variant has not been reported in the literature in individuals affected with DCHS1-related conditions. ClinVar contains an entry for this variant (Variation ID: 3080453). Invitae Evidence Modeling of protein sequence and biophysical properties (such as structural, functional, and spatial information, amino acid conservation, physicochemical variation, residue mobility, and thermodynamic stability) has been performed for this missense variant. However, the output from this modeling did not meet the statistical confidence thresholds required to predict the impact of this variant on DCHS1 protein function. In summary, the available evidence is currently insufficient to determine the role of this variant in disease. Therefore, it has been classified as a Variant of Uncertain Significance.

Ambry Genetics
Classification: Uncertain significance for Inborn genetic diseases. Last evaluated: 2024-01-24. Review status: criteria provided, single submitter. Criteria: Ambry Variant Classification Scheme 2023. Collection method: clinical testing. Allele origin: germline.

NM_003737.4(DCHS1):c.6607G>A (p.Gly2203Arg)

Gene: DCHS1 (dachsous cadherin-related 1; minus strand). Cytogenetic location: 11p15.4.
Variant type: single nucleotide variant.
Coding change: c.6607G>A on transcript NM_003737.4 (MANE Select); coding-DNA position 6607, G replaced by A.
Protein change: p.Gly2203Arg; replaces glycine 2203 with arginine.
Molecular consequence: missense variant.
Genome position (GRCh38, 1-based): chr11:6,626,044, C>T on the plus strand (G>A on the coding strand, the complement: DCHS1 is on the minus strand). VCF-style: chr11-6626044-C-T. GRCh37 (hg19) VCF-style: chr11-6647275-C-T.
Other names: short protein forms G2203R.
Identifiers: ClinVar variation 3080453 (VCV003080453.3), dbSNP rs1002299258, ClinGen allele CA217296996.